The following is an entry in ClinVar:

NM_000492.4(CFTR):c.357C>T (p.Ile119=)

Gene: CFTR (CF transmembrane conductance regulator; plus strand). Cytogenetic location: 7q31.2.
Variant type: single nucleotide variant.
Coding change: c.357C>T on transcript NM_000492.4 (MANE Select); coding-DNA position 357, C replaced by T.
Protein change: p.Ile119=; no amino-acid change (isoleucine 119 retained).
Molecular consequence: synonymous variant.
Genome position (GRCh38, 1-based): chr7:117,530,982, C>T. VCF-style: chr7-117530982-C-T. GRCh37 (hg19) VCF-style: chr7-117171036-C-T.
Identifiers: ClinVar variation 994151 (VCV000994151.21), dbSNP rs1264742569, ClinGen allele CA457448628.

ClinVar aggregate classification (germline): Likely benign. Review status: criteria provided, multiple submitters, no conflicts (2 of 4 stars). 5 submissions from 5 submitters: Likely benign (4). 1 of the submissions does not count toward it. Last evaluated 2025-11-19.

Conditions:
CFTR-related disorder (CFTR-RD). Also called: CFTR-related disorders; CFTR-related condition. Identifiers: MedGen C5924204, MONDO:7770004.
Cystic fibrosis (CF). Also called: MUCOVISCIDOSIS. Identifiers: Orphanet 586, MedGen C0010674, MONDO:0009061, OMIM 219700. Disease mechanism: loss of function.

Allele frequency attached by ClinVar (database versions not stated): gnomAD 0.00001; TOPMed 0.00007; gnomAD exomes 0.00001.
gnomAD v4.1: 8 of 1,613,556 alleles (0.0005%); highest among the groups gnomAD compares: Admixed American, 0.0083%; no homozygotes.

Submissions (5):

Labcorp Genetics (formerly Invitae), Labcorp
Classification: Likely benign for Cystic fibrosis. Last evaluated: 2025-11-19. Review status: criteria provided, single submitter. Criteria: Invitae Variant Classification Sherloc (09022015). Collection method: clinical testing. Allele origin: germline.

Women's Health and Genetics/Laboratory Corporation of America, LabCorp
Classification: Likely benign. Last evaluated: 2023-02-22. Review status: criteria provided, single submitter. Criteria: LabCorp Variant Classification Summary - May 2015. Collection method: clinical testing. Allele origin: germline.

Ambry Genetics
Classification: Likely benign for Cystic fibrosis. Last evaluated: 2022-08-04. Review status: criteria provided, single submitter. Criteria: Ambry Variant Classification Scheme 2023. Collection method: clinical testing. Allele origin: germline.

ARUP Laboratories, Molecular Genetics and Genomics, ARUP Laboratories
Classification: Likely benign. Last evaluated: 2020-04-20. Review status: criteria provided, single submitter. Criteria: ARUP Molecular Germline Variant Investigation Process. Collection method: clinical testing. Allele origin: germline.

PreventionGenetics, part of Exact Sciences
Classification: Likely benign for CFTR-related condition. Last evaluated: 2023-04-26. Review status: no assertion criteria provided. Collection method: clinical testing. Allele origin: germline. Not counted in ClinVar's aggregate classification.
Comment: This variant is classified as likely benign based on ACMG/AMP sequence variant interpretation guidelines (Richards et al. 2015 PMID: 25741868, with internal and published modifications).